The following is an entry in ClinVar:

NC_000023.11:g.(?_17687722)_(17692488_?)dup

Gene: NHS (NHS actin remodeling regulator; plus strand). Cytogenetic location: Xp22.13.
Variant type: Duplication.
Identifiers: ClinVar variation 832246 (VCV000832246.5).

ClinVar aggregate classification (germline): Pathogenic (1 of 4 stars; one submission).

Conditions:
Nance-Horan syndrome (NHS). Identifiers: Orphanet 627, MedGen C0796085, MONDO:0010545, OMIM 302350.

Submission:

Labcorp Genetics (formerly Invitae), Labcorp
Classification: Pathogenic for Nance-Horan syndrome. Last evaluated: 2019-08-23. Review status: criteria provided, single submitter. Criteria: Invitae Variant Classification Sherloc (09022015). Collection method: clinical testing. Allele origin: germline.
Comment: This variant has not been reported in the literature in individuals with NHS-related conditions. However, this variant has been observed to segregate with NHS-related symptoms in at least one family (Invitae data). For these reasons, this variant has been classified as Pathogenic. Loss-of-function variants in NHS are known to be pathogenic (PMID: 14564667, 19414485). This variant results in a copy number gain of the genomic region encompassing exons 2-3 of the NHS gene. While the exact position of this variant cannot be determined from this data, sub-genic copy number gains are generally in tandem (PMID: 25640679) and may result in an absent or disrupted protein product.

Literature cited by the submitters: PubMed 14564667; PubMed 19414485; PubMed 25640679.